The following is an entry in ClinVar:

ClinVar aggregate classification (germline): Likely pathogenic (1 of 4 stars; one submission).

Submission:

Mayo Clinic Laboratories, Mayo Clinic
Classification: Likely pathogenic. Last evaluated: 2024-06-04. Review status: criteria provided, single submitter. Criteria: ACMG Guidelines, 2015. Collection method: clinical testing. Allele origin: germline.
Comment: PM2_moderate, PVS1_strong

Literature cited by the submitters: PubMed 31440721.

NM_007254.4(PNKP):c.199-2del

Gene: PNKP (polynucleotide kinase 3'-phosphatase; minus strand). Cytogenetic location: 19q13.33.
Variant type: Deletion.
Coding change: c.199-2del on transcript NM_007254.4 (MANE Select); the canonical splice acceptor site of the intron before coding-DNA position 199, one base deleted (A; older notation c.199-2delA).
Molecular consequence: splice acceptor variant.
Genome position (GRCh38, 1-based): chr19:49,865,428, T deleted on the plus strand (A on the coding strand, the reverse complement: PNKP is on the minus strand). VCF-style (leftmost placement, unchanged base first): chr19-49865427-CT-C. GRCh37 (hg19) VCF-style: chr19-50368684-CT-C.
Identifiers: ClinVar variation 3391447 (VCV003391447.1).